The following is an entry in ClinVar:

NM_006206.6(PDGFRA):c.2969G>A (p.Gly990Asp)

Gene: PDGFRA (platelet derived growth factor receptor alpha; plus strand). Cytogenetic location: 4q12.
Variant type: single nucleotide variant.
Coding change: c.2969G>A on transcript NM_006206.6 (MANE Select); coding-DNA position 2969, G replaced by A.
Protein change: p.Gly990Asp; replaces glycine 990 with aspartic acid.
Molecular consequence: missense variant.
Genome position (GRCh38, 1-based): chr4:54,290,401, G>A. VCF-style: chr4-54290401-G-A. GRCh37 (hg19) VCF-style: chr4-55156568-G-A.
Other names: c.3044G>A, p.Gly1015Asp (NM_001347828.2); c.2969G>A, p.Gly990Asp (NM_001347829.2); c.3008G>A, p.Gly1003Asp (NM_001347830.2); short protein forms G1003D, G1015D, G990D.
Identifiers: ClinVar variation 2814042 (VCV002814042.3), dbSNP rs1724567367, ClinGen allele CA356896091.

ClinVar aggregate classification (germline): Uncertain significance (1 of 4 stars; one submission).

Conditions:
Gastrointestinal stromal tumor. Also called: Gastrointestinal stromal tumor, somatic; Gastrointestinal stroma tumor. Identifiers: Orphanet 44890, MedGen C0238198, MeSH D046152, MONDO:0011719, OMIM 606764, HP:0100723.

Allele frequency attached by ClinVar (database versions not stated): gnomAD 0.00001.
gnomAD v4.1: 1 of 1,613,700 alleles (0.000062%); highest among the groups gnomAD compares: South Asian, 0.0011%; no homozygotes.

Submission:

Labcorp Genetics (formerly Invitae), Labcorp
Classification: Uncertain significance for Gastrointestinal stromal tumor. Last evaluated: 2022-11-13. Review status: criteria provided, single submitter. Criteria: Invitae Variant Classification Sherloc (09022015). Collection method: clinical testing. Allele origin: germline.
Comment: This sequence change replaces glycine, which is neutral and non-polar, with aspartic acid, which is acidic and polar, at codon 990 of the PDGFRA protein (p.Gly990Asp). This variant is not present in population databases (gnomAD no frequency). This variant has not been reported in the literature in individuals affected with PDGFRA-related conditions. Advanced modeling of protein sequence and biophysical properties (such as structural, functional, and spatial information, amino acid conservation, physicochemical variation, residue mobility, and thermodynamic stability) performed at Invitae indicates that this missense variant is not expected to disrupt PDGFRA protein function. In summary, the available evidence is currently insufficient to determine the role of this variant in disease. Therefore, it has been classified as a Variant of Uncertain Significance.